The following is an entry in ClinVar:

ClinVar aggregate classification (germline): Conflicting classifications of pathogenicity. Review status: criteria provided, conflicting classifications (1 of 4 stars). 2 submissions from 2 submitters: Uncertain significance (1); Likely benign (1). Last evaluated 2025-04-14.

Conditions:
Inflammatory bowel disease 28. Also called: Inflammatory bowel disease 28, early onset, autosomal recessive. Identifiers: Orphanet 238569, MedGen C2751053, MONDO:0013153, OMIM 613148.
Inborn genetic diseases. Identifiers: MedGen C0950123, MeSH D030342.

Allele frequency attached by ClinVar (database versions not stated): gnomAD exomes below 0.00001 and 0.00001; TOPMed below 0.00001.
gnomAD v4.1: 3 of 1,614,208 alleles (0.00019%); highest among the groups gnomAD compares: Non-Finnish European, 0.00025%; no homozygotes.

Submissions (2):

Ambry Genetics
Classification: Likely benign for Inborn genetic diseases. Last evaluated: 2025-04-14. Review status: criteria provided, single submitter. Criteria: Ambry Variant Classification Scheme 2023. Collection method: clinical testing. Allele origin: germline.

Labcorp Genetics (formerly Invitae), Labcorp
Classification: Uncertain significance for Inflammatory bowel disease 28. Last evaluated: 2024-09-28. Review status: criteria provided, single submitter. Criteria: Invitae Variant Classification Sherloc (09022015). Collection method: clinical testing. Allele origin: germline.
Comment: This sequence change replaces serine, which is neutral and polar, with leucine, which is neutral and non-polar, at codon 467 of the IL10RA protein (p.Ser467Leu). This variant is present in population databases (no rsID available, gnomAD 0.0009%). This variant has not been reported in the literature in individuals affected with IL10RA-related conditions. ClinVar contains an entry for this variant (Variation ID: 1024640). Invitae Evidence Modeling of protein sequence and biophysical properties (such as structural, functional, and spatial information, amino acid conservation, physicochemical variation, residue mobility, and thermodynamic stability) indicates that this missense variant is not expected to disrupt IL10RA protein function with a negative predictive value of 80%. In summary, the available evidence is currently insufficient to determine the role of this variant in disease. Therefore, it has been classified as a Variant of Uncertain Significance.

NM_001558.4(IL10RA):c.1400C>T (p.Ser467Leu)

Gene: IL10RA (interleukin 10 receptor subunit alpha; plus strand). Cytogenetic location: 11q23.3.
Variant type: single nucleotide variant.
Coding change: c.1400C>T on transcript NM_001558.4 (MANE Select); coding-DNA position 1400, C replaced by T.
Protein change: p.Ser467Leu; replaces serine 467 with leucine.
Molecular consequence: missense variant. On other transcripts: non-coding transcript variant (1).
Genome position (GRCh38, 1-based): chr11:117,999,304, C>T. VCF-style: chr11-117999304-C-T. GRCh37 (hg19) VCF-style: chr11-117870019-C-T.
Other names: c.1400C>T (NM_001558.3); short protein forms S467L.
Identifiers: ClinVar variation 1024640 (VCV001024640.9), dbSNP rs1327527158, ClinGen allele CA382781091.